The following is an entry in ClinVar:

ClinVar aggregate classification (germline): Likely pathogenic (1 of 4 stars; one submission).

Conditions:
Dilated cardiomyopathy 1G (CMD1G). Identifiers: Orphanet 154, MedGen C1858763, MONDO:0011400, OMIM 604145.
Autosomal recessive limb-girdle muscular dystrophy type 2J (LGMDR10). Also called: Limb-girdle muscular dystrophy, type 2J; MUSCULAR DYSTROPHY, LIMB-GIRDLE, AUTOSOMAL RECESSIVE 10. Identifiers: Orphanet 140922, MedGen C1837342, MONDO:0012127, OMIM 608807.

Submission:

Labcorp Genetics (formerly Invitae), Labcorp
Classification: Likely pathogenic for Dilated cardiomyopathy 1G; Autosomal recessive limb-girdle muscular dystrophy type 2J. Last evaluated: 2024-11-04. Review status: criteria provided, single submitter. Criteria: Invitae Variant Classification Sherloc (09022015). Collection method: clinical testing. Allele origin: germline.
Comment: This sequence change creates a premature translational stop signal (p.Glu15340Argfs*5) in the TTN gene. While this is not anticipated to result in nonsense mediated decay, it is expected to create a truncated TTN protein. This variant is not present in population databases (gnomAD no frequency). This variant has not been reported in the literature in individuals affected with TTN-related conditions. ClinVar contains an entry for this variant (Variation ID: 2944709). This variant is located in the I band of TTN (PMID: 25589632). Truncating variants in this region have been reported in individuals affected with autosomal recessive centronuclear myopathy (PMID: 23975875, internal data). Truncating variants in this region have also been identified in individuals affected with autosomal dominant dilated cardiomyopathy and/or cardio-related conditions (PMID: 27869827, 32964742, internal data). In summary, the currently available evidence indicates that the variant is pathogenic, but additional data are needed to prove that conclusively. Therefore, this variant has been classified as Likely Pathogenic.

Literature cited by the submitters: PubMed 25589632; PubMed 23975875; PubMed 27869827; PubMed 32964742.

NM_001267550.2(TTN):c.46017dup (p.Glu15340fs)

Gene: TTN (titin; minus strand). Cytogenetic location: 2q31.2.
Variant type: Duplication.
Coding change: c.46017dup on transcript NM_001267550.2 (MANE Select); coding-DNA position 46017, one base duplicated (A; older notation c.46017dupA).
Protein change: p.Glu15340fs; shifts the reading frame from glutamic acid 15340.
Molecular consequence: frameshift variant.
Genome position (GRCh38, 1-based): chr2:178,620,504, T duplicated on the plus strand (A on the coding strand, the reverse complement: TTN is on the minus strand); the first of 2 consecutive T bases (chr2:178,620,504-178,620,505); duplicating either gives the same sequence. VCF-style (leftmost placement, unchanged base first): chr2-178620503-C-CT. GRCh37 (hg19) VCF-style: chr2-179485230-C-CT.
Other names: c.41094dup, p.Glu13699fs (NM_001256850.1); c.18822dup, p.Glu6275fs (NM_003319.4); c.38313dup, p.Glu12772fs (NM_133378.4); c.19197dup, p.Glu6400fs (NM_133432.3); c.19398dup, p.Glu6467fs (NM_133437.4); short protein forms E6467fs, E15340fs, E6400fs, E12772fs, E13699fs, E6275fs.
Identifiers: ClinVar variation 2944709 (VCV002944709.3), dbSNP rs2471005767, ClinGen allele CA2740096147.